The following is an entry in ClinVar:

NM_000090.4(COL3A1):c.229C>T (p.Pro77Ser)

Gene: COL3A1 (collagen type III alpha 1 chain; plus strand). Cytogenetic location: 2q32.2.
Variant type: single nucleotide variant.
Coding change: c.229C>T on transcript NM_000090.4 (MANE Select); coding-DNA position 229, C replaced by T.
Protein change: p.Pro77Ser; replaces proline 77 with serine.
Molecular consequence: missense variant.
Genome position (GRCh38, 1-based): chr2:188,984,909, C>T. VCF-style: chr2-188984909-C-T. GRCh37 (hg19) VCF-style: chr2-189849635-C-T.
Other names: short protein forms P77S.
Identifiers: ClinVar variation 920607 (VCV000920607.11), dbSNP rs1688032952, ClinGen allele CA349847289.

ClinVar aggregate classification (germline): Uncertain significance. Review status: criteria provided, multiple submitters, no conflicts (2 of 4 stars). 3 submissions from 3 submitters: Uncertain significance (3). Last evaluated 2023-08-10.

Conditions:
Familial thoracic aortic aneurysm and aortic dissection (TAAD). Also called: Thoracic aortic aneurysms and dissections. Identifiers: Orphanet 91387, MedGen C4707243, MONDO:0019625.
Ehlers-Danlos syndrome, type 4 (EDSVASC). Also called: Ehlers-Danlos Syndrome Type IV; Ehlers-Danlos syndrome vascular type; Ehlers Danlos syndrome, ecchymotic type; Ehlers Danlos syndrome, arterial type; Ehlers Danlos syndrome, Sack-Barabas type. Identifiers: Orphanet 286, MedGen C0268338, MONDO:0017314, OMIM 130050.

Allele frequency attached by ClinVar (database versions not stated): gnomAD exomes below 0.00001.

Submissions (3):

Labcorp Genetics (formerly Invitae), Labcorp
Classification: Uncertain significance for Ehlers-Danlos syndrome, type 4. Last evaluated: 2023-08-10. Review status: criteria provided, single submitter. Criteria: Invitae Variant Classification Sherloc (09022015). Collection method: clinical testing. Allele origin: germline.
Comment: In summary, the available evidence is currently insufficient to determine the role of this variant in disease. Therefore, it has been classified as a Variant of Uncertain Significance. Advanced modeling of protein sequence and biophysical properties (such as structural, functional, and spatial information, amino acid conservation, physicochemical variation, residue mobility, and thermodynamic stability) performed at Invitae indicates that this missense variant is not expected to disrupt COL3A1 protein function. ClinVar contains an entry for this variant (Variation ID: 920607). This missense change has been observed in individual(s) with clinical features of COL3A1-related conditions (PMID: 29790871). This variant is not present in population databases (gnomAD no frequency). This sequence change replaces proline, which is neutral and non-polar, with serine, which is neutral and polar, at codon 77 of the COL3A1 protein (p.Pro77Ser).

All of Us Research Program, National Institutes of Health
Classification: Uncertain significance for Ehlers-Danlos syndrome, type 4. Last evaluated: 2023-06-08. Review status: criteria provided, single submitter. Criteria: ACMG Guidelines, 2015. Collection method: clinical testing. Allele origin: germline. Inheritance: Autosomal dominant inheritance. Observed: 1 variant allele, 1 heterozygote.
Comment: This missense variant replaces proline with serine at codon 77 of the COL3A1 protein. Computational prediction is inconclusive regarding the impact of this variant on protein structure and function (internally defined REVEL score threshold 0.5 < inconclusive < 0.7, PMID: 27666373). To our knowledge, functional studies have not been reported for this variant. This variant has been reported to be de novo in an individual with clinical features of COL3A1-related conditions (PMID: 29790871). This variant has not been identified in the general population by the Genome Aggregation Database (gnomAD). The available evidence is insufficient to determine the role of this variant in disease conclusively. Therefore, this variant is classified as a Variant of Uncertain Significance.

This study involves interpretation of variants in research participants for the purpose of population health screening. Participant phenotype was not available at the time of variant classification. Additional details can be found in publication PMID: 35346344, PMCID: PMC8962531

Color Diagnostics, LLC DBA Color Health
Classification: Uncertain significance for Familial thoracic aortic aneurysm and aortic dissection. Last evaluated: 2023-05-17. Review status: criteria provided, single submitter. Criteria: ACMG Guidelines, 2015. Collection method: clinical testing. Allele origin: germline.
Comment: This missense variant replaces proline with serine at codon 77 of the COL3A1 protein. Computational prediction is inconclusive regarding the impact of this variant on protein structure and function (internally defined REVEL score threshold 0.5 < inconclusive < 0.7, PMID: 27666373). To our knowledge, functional studies have not been reported for this variant. This variant has been reported to be de novo in an individual with clinical features of COL3A1-related conditions (PMID: 29790871). This variant has not been identified in the general population by the Genome Aggregation Database (gnomAD). The available evidence is insufficient to determine the role of this variant in disease conclusively. Therefore, this variant is classified as a Variant of Uncertain Significance.

Literature cited by the submitters: PubMed 29790871 (cited by 3 submitters).